The following is an entry in ClinVar:

ClinVar aggregate classification (germline): Uncertain significance (1 of 4 stars; one submission).

Conditions:
Microcephaly, normal intelligence and immunodeficiency (NBS). Also called: Ataxia telangiectasia variant V1; SEEMANOVA SYNDROME II; Immunodeficiency, microcephaly with normal intelligence; Nijmegen breakage syndrome; Microcephaly with normal intelligence immunodeficiency and lymphoreticular malignancies; Nonsyndromal microcephaly autosomal recessive with normal intelligence. Identifiers: Orphanet 647, MedGen C0398791, MONDO:0009623, OMIM 251260.

Submission:

Labcorp Genetics (formerly Invitae), Labcorp
Classification: Uncertain significance for Microcephaly, normal intelligence and immunodeficiency. Last evaluated: 2020-09-01. Review status: criteria provided, single submitter. Criteria: Invitae Variant Classification Sherloc (09022015). Collection method: clinical testing. Allele origin: germline.
Comment: In summary, the available evidence is currently insufficient to determine the role of this variant in disease. Therefore, it has been classified as a Variant of Uncertain Significance. Nucleotide substitutions within the consensus splice site are a relatively common cause of aberrant splicing (PMID: 17576681, 9536098). Algorithms developed to predict the effect of sequence changes on RNA splicing suggest that this variant may disrupt the consensus splice site, but this prediction has not been confirmed by published transcriptional studies. This variant has not been reported in the literature in individuals with NBN-related disease. This variant is not present in population databases (ExAC no frequency). This sequence change falls in intron 14 of the NBN gene. It does not directly change the encoded amino acid sequence of the NBN protein, but it affects a nucleotide within the consensus splice site of the intron.

Literature cited by the submitters: PubMed 17576681; PubMed 9536098.

NM_002485.5(NBN):c.2184+5G>A

Gene: NBN (nibrin; minus strand). Cytogenetic location: 8q21.3.
Variant type: single nucleotide variant.
Coding change: c.2184+5G>A on transcript NM_002485.5 (MANE Select); 5 bases into the intron after coding-DNA position 2184, G replaced by A.
Molecular consequence: intron variant.
Genome position (GRCh38, 1-based): chr8:89,943,248, C>T on the plus strand (G>A on the coding strand, the complement: NBN is on the minus strand). VCF-style: chr8-89943248-C-T. GRCh37 (hg19) VCF-style: chr8-90955476-C-T.
Other names: c.1938+5G>A (NM_001024688.3).
Identifiers: ClinVar variation 583182 (VCV000583182.6), dbSNP rs1563507830, ClinGen allele CA891842832.